The following is an entry in ClinVar:

ClinVar aggregate classification (germline): Uncertain significance (1 of 4 stars; one submission).

gnomAD v4.1: 7 of 1,613,446 alleles (0.00043%); highest among the groups gnomAD compares: South Asian, 0.0011%; no homozygotes.

Submission:

Labcorp Genetics (formerly Invitae), Labcorp
Classification: Uncertain significance. Last evaluated: 2020-02-07. Review status: criteria provided, single submitter. Criteria: Invitae Variant Classification Sherloc (09022015). Collection method: clinical testing. Allele origin: germline.
Comment: In summary, the available evidence is currently insufficient to determine the role of this variant in disease. Therefore, it has been classified as a Variant of Uncertain Significance. This sequence change replaces leucine with proline at codon 843 of the ADGRV1 protein (p.Leu843Pro). The leucine residue is moderately conserved and there is a moderate physicochemical difference between leucine and proline. This variant is not present in population databases (ExAC no frequency). This variant has not been reported in the literature in individuals with ADGRV1-related conditions. Algorithms developed to predict the effect of missense changes on protein structure and function are either unavailable or do not agree on the potential impact of this missense change (SIFT: "Deleterious"; PolyPhen-2: "Possibly Damaging"; Align-GVGD: "Class C0").

NM_032119.4(ADGRV1):c.2528T>C (p.Leu843Pro)

Gene: ADGRV1 (adhesion G protein-coupled receptor V1; plus strand). Cytogenetic location: 5q14.3.
Variant type: single nucleotide variant.
Coding change: c.2528T>C on transcript NM_032119.4 (MANE Select); coding-DNA position 2528, T replaced by C.
Protein change: p.Leu843Pro; replaces leucine 843 with proline.
Molecular consequence: missense variant. On other transcripts: non-coding transcript variant (1).
Genome position (GRCh38, 1-based): chr5:90,643,016, T>C. VCF-style: chr5-90643016-T-C. GRCh37 (hg19) VCF-style: chr5-89938833-T-C.
Other names: short protein forms L843P.
Identifiers: ClinVar variation 1055532 (VCV001055532.9), dbSNP rs2149430047, ClinGen allele CA360388619.